The following is an entry in ClinVar:

ClinVar aggregate classification (germline): Uncertain significance (1 of 4 stars; one submission).

Submission:

GeneDx
Classification: Uncertain significance. Last evaluated: 2023-03-30. Review status: criteria provided, single submitter. Criteria: GeneDx Variant Classification Process June 2021. Collection method: clinical testing. Allele origin: germline. Affected: yes.
Comment: Not observed at significant frequency in large population cohorts (gnomAD); In silico analysis supports that this missense variant has a deleterious effect on protein structure/function; Has not been previously published as pathogenic or benign to our knowledge; Variants in candidate genes are classified as variants of uncertain significance in accordance with ACMG guidelines (Richards et al., 2015)

NM_001395002.1(MAP4K4):c.571A>C (p.Thr191Pro)

Gene: MAP4K4 (mitogen-activated protein kinase kinase kinase kinase 4; plus strand). Cytogenetic location: 2q11.2.
Variant type: single nucleotide variant.
Coding change: c.571A>C on transcript NM_001395002.1 (MANE Select); coding-DNA position 571, A replaced by C.
Protein change: p.Thr191Pro; replaces threonine 191 with proline.
Molecular consequence: missense variant. On other transcripts: non-coding transcript variant (4).
Genome position (GRCh38, 1-based): chr2:101,831,783, A>C. VCF-style: chr2-101831783-A-C. GRCh37 (hg19) VCF-style: chr2-102448245-A-C.
Other names: c.571A>C, p.Thr191Pro (NM_001242559.2, NM_001242560.2, NM_001384476.1 and 29 more transcripts); c.-173A>C (NM_001384489.1, NM_001384505.1, NM_001384544.1 and 1 more transcripts); c.544A>C, p.Thr182Pro (NM_001384549.1, NM_001384550.1, NM_001384551.1 and 16 more transcripts); short protein forms T182P, T191P.
Identifiers: ClinVar variation 2663097 (VCV002663097.1), dbSNP rs2466903970, ClinGen allele CA347979001.